The following is an entry in ClinVar:

NM_016333.4(SRRM2):c.6918G>C (p.Leu2306Phe)

Gene: SRRM2 (serine/arginine repetitive matrix 2; plus strand). Cytogenetic location: 16p13.3.
Variant type: single nucleotide variant.
Coding change: c.6918G>C on transcript NM_016333.4 (MANE Select); coding-DNA position 6918, G replaced by C.
Protein change: p.Leu2306Phe; replaces leucine 2306 with phenylalanine.
Molecular consequence: missense variant.
Genome position (GRCh38, 1-based): chr16:2,767,446, G>C. VCF-style: chr16-2767446-G-C. GRCh37 (hg19) VCF-style: chr16-2817447-G-C.
Other names: short protein forms L2306F.
Identifiers: ClinVar variation 3343640 (VCV003343640.1).

ClinVar aggregate classification (germline): Uncertain significance (1 of 4 stars; one submission).

Submission:

GeneDx
Classification: Uncertain significance. Last evaluated: 2023-05-17. Review status: criteria provided, single submitter. Criteria: GeneDx Variant Classification Process June 2021. Collection method: clinical testing. Allele origin: germline. Affected: yes.
Comment: Not observed at significant frequency in large population cohorts (gnomAD); In silico analysis supports that this missense variant does not alter protein structure/function; Has not been previously published as pathogenic or benign to our knowledge